The following is an entry in ClinVar:

NM_080680.3(COL11A2):c.4014+3G>A

Gene: COL11A2 (collagen type XI alpha 2 chain; minus strand). Cytogenetic location: 6p21.32.
Variant type: single nucleotide variant.
Coding change: c.4014+3G>A on transcript NM_080680.3 (MANE Select); 3 bases into the intron after coding-DNA position 4014, G replaced by A.
Molecular consequence: intron variant.
Genome position (GRCh38, 1-based): chr6:33,167,796, C>T on the plus strand (G>A on the coding strand, the complement: COL11A2 is on the minus strand). VCF-style: chr6-33167796-C-T. GRCh37 (hg19) VCF-style: chr6-33135573-C-T.
Other names: c.2988+3G>A (NM_001424111.1, NM_001424110.1); c.3693+3G>A (NM_080679.3); c.3756+3G>A (NM_080681.3); c.3834+3G>A (NM_001424108.1); c.3168+3G>A (NM_001424109.1); c.1968+3G>A (NM_001424112.1).
Identifiers: ClinVar variation 4700683 (VCV004700683.1).

ClinVar aggregate classification (germline): Uncertain significance (1 of 4 stars; one submission).

gnomAD v4.1: 1 of 1,612,828 alleles (0.000062%); highest among the groups gnomAD compares: Non-Finnish European, 0.000085%; no homozygotes.

Submission:

Labcorp Genetics (formerly Invitae), Labcorp
Classification: Uncertain significance. Last evaluated: 2025-10-11. Review status: criteria provided, single submitter. Criteria: Invitae Variant Classification Sherloc (09022015). Collection method: clinical testing. Allele origin: germline.
Comment: This sequence change falls in intron 55 of the COL11A2 gene. It does not directly change the encoded amino acid sequence of the COL11A2 protein. It affects a nucleotide within the consensus splice site. This variant is not present in population databases (gnomAD no frequency). This variant has not been reported in the literature in individuals affected with COL11A2-related conditions. Variants that disrupt the consensus splice site are a relatively common cause of aberrant splicing (PMID: 17576681, 9536098). Algorithms developed to predict the effect of sequence changes on RNA splicing suggest that this variant is not likely to affect RNA splicing. In summary, the available evidence is currently insufficient to determine the role of this variant in disease. Therefore, it has been classified as a Variant of Uncertain Significance.

Literature cited by the submitters: PubMed 17576681; PubMed 9536098.